The following is an entry in ClinVar:

ClinVar aggregate classification (germline): Uncertain significance (1 of 4 stars; one submission).

Allele frequency attached by ClinVar (database versions not stated): TOPMed below 0.00001.

Submission:

Labcorp Genetics (formerly Invitae), Labcorp
Classification: Uncertain significance. Last evaluated: 2022-03-14. Review status: criteria provided, single submitter. Criteria: Invitae Variant Classification Sherloc (09022015). Collection method: clinical testing. Allele origin: germline.
Comment: This variant has not been reported in the literature in individuals affected with BLK-related conditions. This variant is not present in population databases (gnomAD no frequency). This sequence change falls in intron 3 of the BLK gene. It does not directly change the encoded amino acid sequence of the BLK protein. It affects a nucleotide within the consensus splice site. In summary, the available evidence is currently insufficient to determine the role of this variant in disease. Therefore, it has been classified as a Variant of Uncertain Significance. Variants that disrupt the consensus splice site are a relatively common cause of aberrant splicing (PMID: 17576681, 9536098). Algorithms developed to predict the effect of sequence changes on RNA splicing suggest that this variant is not likely to affect RNA splicing.

Literature cited by the submitters: PubMed 17576681; PubMed 9536098.

NM_001715.3(BLK):c.175+4A>G

Gene: BLK (BLK proto-oncogene, Src family tyrosine kinase). Cytogenetic location: 8p23.1.
Variant type: single nucleotide variant.
Coding change: c.175+4A>G on transcript NM_001715.3 (MANE Select); 4 bases into the intron after coding-DNA position 175, A replaced by G.
Molecular consequence: intron variant.
Genome position (GRCh38, 1-based): chr8:11,546,107, A>G. VCF-style: chr8-11546107-A-G. GRCh37 (hg19) VCF-style: chr8-11403616-A-G.
Other names: c.-39+4A>G (NM_001330465.2).
Identifiers: ClinVar variation 1923627 (VCV001923627.5), dbSNP rs1035007550, ClinGen allele CA172070916.